The following is an entry in ClinVar:

ClinVar aggregate classification (germline): Conflicting classifications of pathogenicity. Review status: criteria provided, conflicting classifications (1 of 4 stars). 2 submissions from 2 submitters: Likely pathogenic (1); Uncertain significance (1). Last evaluated 2023-03-26.

Conditions:
Telangiectasia, hereditary hemorrhagic, type 2 (HHT2). Also called: ACVRL1-Related Hereditary Hemorrhagic Telangiectasia; Telangiectasia, hereditary hemorrhagic, type II. Identifiers: Orphanet 774, MedGen C1838163, MONDO:0010880, OMIM 600376. Disease mechanism: loss of function.
Cardiovascular phenotype. Identifiers: MedGen CN230736.

Submissions (2):

Labcorp Genetics (formerly Invitae), Labcorp
Classification: Likely pathogenic for Telangiectasia, hereditary hemorrhagic, type 2. Last evaluated: 2023-03-26. Review status: criteria provided, single submitter. Criteria: Invitae Variant Classification Sherloc (09022015). Collection method: clinical testing. Allele origin: germline.
Comment: In summary, the currently available evidence indicates that the variant is pathogenic, but additional data are needed to prove that conclusively. Therefore, this variant has been classified as Likely Pathogenic. Advanced modeling of protein sequence and biophysical properties (such as structural, functional, and spatial information, amino acid conservation, physicochemical variation, residue mobility, and thermodynamic stability) performed at Invitae indicates that this missense variant is expected to disrupt ACVRL1 protein function. ClinVar contains an entry for this variant (Variation ID: 1425588). This missense change has been observed in individuals with hereditary hemorrhagic telangiectasia and/or pulmonary arterial hypertension (PMID: 30578397; Invitae). This variant is not present in population databases (gnomAD no frequency). This sequence change replaces alanine, which is neutral and non-polar, with proline, which is neutral and non-polar, at codon 311 of the ACVRL1 protein (p.Ala311Pro).

Ambry Genetics
Classification: Uncertain significance for Cardiovascular phenotype. Last evaluated: 2017-04-03. Review status: criteria provided, single submitter. Criteria: Ambry Variant Classification Scheme 2023. Collection method: clinical testing. Allele origin: germline.
Comment: The p.A311P variant (also known as c.931G>C), located in coding exon 6 of the ACVRL1 gene, results from a G to C substitution at nucleotide position 931. The alanine at codon 311 is replaced by proline, an amino acid with highly similar properties. This amino acid position is not well conserved in available vertebrate species. In addition, this alteration is predicted to be deleterious by in silico analysis. Since supporting evidence is limited at this time, the clinical significance of this alteration remains unclear.

Literature cited by the submitters: PubMed 30578397 (cited by Labcorp Genetics (formerly Invitae), Labcorp).

NM_000020.3(ACVRL1):c.931G>C (p.Ala311Pro)

Gene: ACVRL1 (activin A receptor like type 1; plus strand). Cytogenetic location: 12q13.13.
Variant type: single nucleotide variant.
Coding change: c.931G>C on transcript NM_000020.3 (MANE Select); coding-DNA position 931, G replaced by C.
Protein change: p.Ala311Pro; replaces alanine 311 with proline.
Molecular consequence: missense variant.
Genome position (GRCh38, 1-based): chr12:51,915,383, G>C. VCF-style: chr12-51915383-G-C. GRCh37 (hg19) VCF-style: chr12-52309167-G-C.
Other names: c.931G>C, p.Ala311Pro (NM_001077401.2); short protein forms A311P.
Identifiers: ClinVar variation 1425588 (VCV001425588.8), dbSNP rs565262730, ClinGen allele CA384901108.